The following is an entry in ClinVar:

ClinVar aggregate classification (germline): Uncertain significance (1 of 4 stars; one submission).

Conditions:
Inborn genetic diseases. Identifiers: MedGen C0950123, MeSH D030342.

Allele frequency attached by ClinVar (database versions not stated): gnomAD exomes below 0.00001; TOPMed below 0.00001.
gnomAD v4.1: 2 of 1,613,978 alleles (0.00012%); highest among the groups gnomAD compares: Non-Finnish European, 0.00017%; no homozygotes.

Submission:

Ambry Genetics
Classification: Uncertain significance for Inborn genetic diseases. Last evaluated: 2023-09-27. Review status: criteria provided, single submitter. Criteria: Ambry Variant Classification Scheme 2023. Collection method: clinical testing. Allele origin: germline.
Comment: The p.K2570R variant (also known as c.7709A>G), located in coding exon 46 of the ATR gene, results from an A to G substitution at nucleotide position 7709. The lysine at codon 2570 is replaced by arginine, an amino acid with highly similar properties. This amino acid position is conserved. In addition, this alteration is predicted to be tolerated by in silico analysis. Since supporting evidence is limited at this time, the clinical significance of this alteration remains unclear.

NM_001184.4(ATR):c.7709A>G (p.Lys2570Arg)

Gene: ATR (ATR checkpoint kinase; minus strand). Cytogenetic location: 3q23.
Variant type: single nucleotide variant.
Coding change: c.7709A>G on transcript NM_001184.4 (MANE Select); coding-DNA position 7709, A replaced by G.
Protein change: p.Lys2570Arg; replaces lysine 2570 with arginine.
Molecular consequence: missense variant.
Genome position (GRCh38, 1-based): chr3:142,453,180, T>C on the plus strand (A>G on the coding strand, the complement: ATR is on the minus strand). VCF-style: chr3-142453180-T-C. GRCh37 (hg19) VCF-style: chr3-142172022-T-C.
Other names: c.7517A>G, p.Lys2506Arg (NM_001354579.2); short protein forms K2506R, K2570R.
Identifiers: ClinVar variation 1760247 (VCV001760247.2), dbSNP rs2070830602, ClinGen allele CA354794123.
Genomic context (GRCh38, chr3:142,453,180, plus strand): 5'-CTACTAACCTTTTCATTGACAACTTCTCCAGTTTCATTCAGTGGCGCTTTGGAATGCCCT[T>C]TCACTGGTTTACTCCATTCCACAAGAGGATCATGTAGAAAAGTCTTTAAGACACTAAAAT-3'
Protein context (NP_001175.2, residues 2560-2580): DPLVEWSKPV[Lys2570Arg]GHSKAPLNET